The following is an entry in ClinVar:

ClinVar aggregate classification (germline): Uncertain significance (1 of 4 stars; one submission).

Conditions:
Congenital muscular hypertrophy-cerebral syndrome (CDLS2). Also called: Cornelia de Lange syndrome 2; SMC1A-Related Cornelia de Lange Syndrome. Identifiers: Orphanet 199, MedGen C1802395, MONDO:0010370, OMIM 300590.

Submission:

Dasa
Classification: Uncertain significance for Cornelia de Lange syndrome 2. Last evaluated: 2025-11-13. Review status: criteria provided, single submitter. Criteria: DASA Assertion Criteria. Collection method: clinical testing. Allele origin: germline.
Comment: NM_006306.4(SMC1A):c.591G>T (p.Lys197Asn) is a missense variant that results in the substitution of lysine with asparagine. This variant is absent from population databases. The currently available literature and clinical evidence are not sufficient to establish a definitive association between this variant and the reported condition. Therefore, this variant is classified as a variant of uncertain significance.

NM_006306.4(SMC1A):c.591G>T (p.Lys197Asn)

Gene: SMC1A (structural maintenance of chromosomes 1A; minus strand). Cytogenetic location: Xp11.22.
Variant type: single nucleotide variant.
Coding change: c.591G>T on transcript NM_006306.4 (MANE Select); coding-DNA position 591, G replaced by T.
Protein change: p.Lys197Asn; replaces lysine 197 with asparagine.
Molecular consequence: missense variant.
Genome position (GRCh38, 1-based): chrX:53,413,256, C>A on the plus strand (G>T on the coding strand, the complement: SMC1A is on the minus strand). VCF-style: chrX-53413256-C-A. GRCh37 (hg19) VCF-style: chrX-53440206-C-A.
Other names: c.525G>T, p.Lys175Asn (NM_001281463.1); short protein forms K175N, K197N.
Identifiers: ClinVar variation 4882248 (VCV004882248.2).
Genomic context (GRCh38, chrX:53,413,256, plus strand): 5'-GGTCCCTCAGAGCCAAGAGGTAGCTTGGCCACCTACCTCTTCTTTCTCCTGCTTTGCTTC[C>A]TTGCGTTCAGCCGCAATATTTTTCTTGCGATGGTAATTAAACTGTGTGTCCTCTTCAGCC-3'
Protein context (NP_006297.2, residues 187-207): HRKKNIAAER[Lys197Asn]EAKQEKEEAD